The following is an entry in ClinVar:

NM_000723.5(CACNB1):c.124_133del (p.Asp42fs)

Gene: CACNB1 (calcium voltage-gated channel auxiliary subunit beta 1; minus strand). Cytogenetic location: 17q12.
Variant type: Deletion.
Coding change: c.124_133del on transcript NM_000723.5 (MANE Select); coding-DNA positions 124 to 133, 10 bases deleted (GATGGGAGCA; older notation c.124_133delGATGGGAGCA).
Protein change: p.Asp42fs; shifts the reading frame from aspartic acid 42.
Molecular consequence: frameshift variant.
Genome position (GRCh38, 1-based): chr17:39,194,922-39,194,931, TGCTCCCATC deleted on the plus strand (GATGGGAGCA on the coding strand, the reverse complement: CACNB1 is on the minus strand); deleting any 10 consecutive bases within chr17:39,194,922-39,194,933 gives the same sequence; the c. name uses the placement nearest the transcript's 3' end. VCF-style (leftmost placement, unchanged base first): chr17-39194921-GTGCTCCCATC-G. GRCh37 (hg19) VCF-style: chr17-37351174-GTGCTCCCATC-G.
Other names: c.124_133del, p.Asp42fs (NM_199247.3, NM_199248.3); short protein forms D42fs.
Identifiers: ClinVar variation 4073416 (VCV004073416.1).
Genomic context (GRCh38, chr17:39,194,921, plus strand): 5'-TCTCCGCCCAGCCTCCCCATTACCTGGCGGACAAAGCTGTTGGATGTGGTATCCGAGGAC[GTGCTCCCATC>G]TGACCGTTTGAATCGCCCTTTCCTCTTGCTGTATTTGCCCTGAAGAGGCCAGGAAAGGAA-3'

ClinVar aggregate classification (germline): Pathogenic (1 of 4 stars; one submission).

Conditions:
Muscular dystrophy-dystroglycanopathy (congenital with brain and eye anomalies), type a, 12 (MDDGA12). Also called: WALKER-WARBURG SYNDROME OR MUSCLE-EYE-BRAIN DISEASE, POMK-RELATED. Identifiers: Orphanet 899, MedGen C3808964, MONDO:0014101, OMIM 615249.

Submission:

Genomics, Clalit Research Institute, Clalit Health Care
Classification: Pathogenic for Muscular dystrophy-dystroglycanopathy (congenital with brain and eye anomalies), type a, 12. Review status: criteria provided, single submitter. Criteria: ACMG Guidelines, 2015. Collection method: research. Allele origin: germline. Inheritance: Autosomal recessive inheritance. Affected: yes. Observed: 2 homozygotes. Clinical features observed: Low weight, Elevated circulating creatine kinase concentration, Myopathy.
Comment: Variant type: Frameshift, predicted to undergo NMD, in a novel gene. Knockout mice models show abnormal muscle morphology and decreased muscle mass (PMID: 8943043). Frequency: The variant is absent from the gnomAD reference population dataset. Segregation: The variant is segregated with disease in multiple affected family members. Allelic data: This variant was identified in homozygous state in two patients.

Literature cited by the submitters: PubMed 8943043; PubMed 41023410.